The following is an entry in ClinVar:

ClinVar aggregate classification (germline): Uncertain significance (1 of 4 stars; one submission).

Allele frequency attached by ClinVar (database versions not stated): gnomAD exomes 0.00001; ExAC 0.00003.

Submission:

Labcorp Genetics (formerly Invitae), Labcorp
Classification: Uncertain significance. Last evaluated: 2022-02-14. Review status: criteria provided, single submitter. Criteria: Invitae Variant Classification Sherloc (09022015). Collection method: clinical testing. Allele origin: germline.
Comment: In summary, the available evidence is currently insufficient to determine the role of this variant in disease. Therefore, it has been classified as a Variant of Uncertain Significance. Variants that disrupt the consensus splice site are a relatively common cause of aberrant splicing (PMID: 17576681, 9536098). Algorithms developed to predict the effect of sequence changes on RNA splicing suggest that this variant is not likely to affect RNA splicing. This variant has not been reported in the literature in individuals affected with LRRCC1-related conditions. The frequency data for this variant in the population databases is considered unreliable, as metrics indicate poor data quality at this position in the gnomAD database. This sequence change falls in intron 1 of the LRRCC1 gene. It does not directly change the encoded amino acid sequence of the LRRCC1 protein. It affects a nucleotide within the consensus splice site.

Literature cited by the submitters: PubMed 17576681; PubMed 9536098.

NM_033402.5(LRRCC1):c.105-3T>C

Gene: LRRCC1 (leucine rich repeat and coiled-coil centrosomal protein 1; plus strand). Cytogenetic location: 8q21.2.
Variant type: single nucleotide variant.
Coding change: c.105-3T>C on transcript NM_033402.5 (MANE Select); 3 bases into the intron before coding-DNA position 105, T replaced by C.
Molecular consequence: intron variant.
Genome position (GRCh38, 1-based): chr8:85,109,592, T>C. VCF-style: chr8-85109592-T-C. GRCh37 (hg19) VCF-style: chr8-86021827-T-C.
Other names: c.-158-523T>C (NM_001349637.2); c.-407-3T>C (NM_001349638.2); c.32-523T>C (NM_001349636.2); c.-247-523T>C (NM_001349639.2).
Identifiers: ClinVar variation 2085253 (VCV002085253.4), dbSNP rs758221070, ClinGen allele CA4794301.